The following is an entry in ClinVar:

NM_000304.4(PMP22):c.177C>T (p.Asn59=)

Gene: PMP22 (peripheral myelin protein 22; minus strand). Cytogenetic location: 17p12.
Variant type: single nucleotide variant.
Coding change: c.177C>T on transcript NM_000304.4 (MANE Select); coding-DNA position 177, C replaced by T.
Protein change: p.Asn59=; no amino-acid change (asparagine 59 retained).
Molecular consequence: synonymous variant. On other transcripts: non-coding transcript variant (1).
Genome position (GRCh38, 1-based): chr17:15,259,095, G>A on the plus strand (C>T on the coding strand, the complement: PMP22 is on the minus strand). VCF-style: chr17-15259095-G-A. GRCh37 (hg19) VCF-style: chr17-15162412-G-A.
Other names: c.177C>T, p.Asn59= (NM_001281455.2, NM_001281456.2, NM_001330143.2 and 2 more transcripts).
Identifiers: ClinVar variation 387578 (VCV000387578.9), dbSNP rs376797385, ClinGen allele CA8403416.

ClinVar aggregate classification (germline): Conflicting classifications of pathogenicity. Review status: criteria provided, conflicting classifications (1 of 4 stars). 2 submissions from 2 submitters: Uncertain significance (1); Likely benign (1). Last evaluated 2025-10-02.

Conditions:
Charcot-Marie-Tooth disease, type I (CMT1). Also called: Charcot-Marie-Tooth, Type 1; Charcot-Marie-Tooth disease type 1. Identifiers: Orphanet 65753, MedGen C0751036, MONDO:0019011.

Allele frequency attached by ClinVar (database versions not stated): ExAC 0.00003; gnomAD exomes 0.00004 and 0.00005; gnomAD 0.00009; TOPMed 0.00009; ESP Exome Variant Server 0.00015.
gnomAD v4.1: 85 of 1,606,886 alleles (0.0053%); highest among the groups gnomAD compares: South Asian, 0.0077%; no homozygotes.

Submissions (2):

Labcorp Genetics (formerly Invitae), Labcorp
Classification: Uncertain significance for Charcot-Marie-Tooth disease, type I. Last evaluated: 2025-10-02. Review status: criteria provided, single submitter. Criteria: Invitae Variant Classification Sherloc (09022015). Collection method: clinical testing. Allele origin: germline.
Comment: This sequence change affects codon 59 of the PMP22 mRNA. It is a 'silent' change, meaning that it does not change the encoded amino acid sequence of the PMP22 protein. It affects a nucleotide within the consensus splice site. This variant is present in population databases (rs376797385, gnomAD 0.02%). This variant has not been reported in the literature in individuals affected with PMP22-related conditions. ClinVar contains an entry for this variant (Variation ID: 387578). Algorithms developed to predict the effect of sequence changes on RNA splicing suggest that this variant is not likely to affect RNA splicing. In summary, the available evidence is currently insufficient to determine the role of this variant in disease. Therefore, it has been classified as a Variant of Uncertain Significance.

GeneDx
Classification: Likely benign. Last evaluated: 2020-12-17. Review status: criteria provided, single submitter. Criteria: GeneDx Variant Classification Process June 2021. Collection method: clinical testing. Allele origin: germline. Affected: yes.